The following is an entry in ClinVar:

ClinVar aggregate classification (germline): Likely benign. Review status: criteria provided, multiple submitters, no conflicts (2 of 4 stars). 2 submissions from 2 submitters: Likely benign (2). Last evaluated 2026-07-01.

Allele frequency attached by ClinVar (database versions not stated): gnomAD exomes 0.00001 and 0.00004; ExAC 0.00002; gnomAD 0.00004; TOPMed 0.00005.
gnomAD v4.1: 27 of 1,613,306 alleles (0.0017%); highest among the groups gnomAD compares: Admixed American, 0.018%; no homozygotes.

Submissions (2):

CeGaT Center for Human Genetics Tuebingen
Classification: Likely benign. Last evaluated: 2026-07-01. Review status: criteria provided, single submitter. Criteria: CeGaT Center For Human Genetics Tuebingen Variant Classification Criteria Version 2. Collection method: clinical testing. Allele origin: germline. Affected: yes. Observed: 3 variant alleles.
Comment: SET: BP4, BP7

Labcorp Genetics (formerly Invitae), Labcorp
Classification: Likely benign. Last evaluated: 2018-09-20. Review status: criteria provided, single submitter. Criteria: Invitae Variant Classification Sherloc (09022015). Collection method: clinical testing. Allele origin: germline.

NM_003011.4(SET):c.651A>G (p.Leu217=)

Gene: SET (SET nuclear proto-oncogene; plus strand). Cytogenetic location: 9q34.11.
Variant type: single nucleotide variant.
Coding change: c.651A>G on transcript NM_003011.4 (MANE Select); coding-DNA position 651, A replaced by G.
Protein change: p.Leu217=; no amino-acid change (leucine 217 retained).
Molecular consequence: synonymous variant.
Genome position (GRCh38, 1-based): chr9:128,693,796, A>G. VCF-style: chr9-128693796-A-G. GRCh37 (hg19) VCF-style: chr9-131456075-A-G.
Other names: c.690A>G, p.Leu230= (NM_001122821.2, NM_001374326.1); c.624A>G, p.Leu208= (NM_001248000.2); c.618A>G, p.Leu206= (NM_001248001.2).
Identifiers: ClinVar variation 752760 (VCV000752760.16), dbSNP rs757886265, ClinGen allele CA5267043.